The following is an entry in ClinVar:

ClinVar aggregate classification (germline): Uncertain significance (1 of 4 stars; one submission).

gnomAD v4.1: 11 of 1,614,008 alleles (0.00068%); highest among the groups gnomAD compares: Non-Finnish European, 0.00085%; no homozygotes.

Submission:

Women's Health and Genetics/Laboratory Corporation of America, LabCorp
Classification: Uncertain significance. Last evaluated: 2024-07-10. Review status: criteria provided, single submitter. Criteria: LabCorp Variant Classification Summary - May 2015. Collection method: clinical testing. Allele origin: germline.
Comment: Variant summary: TF c.1108G>A (p.Glu370Lys) results in a conservative amino acid change located in the Transferrin-like domain (IPR001156) of the encoded protein sequence. Four of five in-silico tools predict a damaging effect of the variant on protein function. The variant allele was found at a frequency of 1.2e-05 in 251382 control chromosomes. The available data on variant occurrences in the general population are insufficient to allow any conclusion about variant significance. c.1108G>A has been reported in the literature in individuals affected with Atransferrinemia. These report(s) do not provide unequivocal conclusions about association of the variant with Atransferrinemia. To our knowledge, no experimental evidence demonstrating an impact on protein function has been reported. The following publication have been ascertained in the context of this evaluation (PMID: 25486930). No submitters have cited clinical-significance assessments for this variant to ClinVar. Based on the evidence outlined above, the variant was classified as uncertain significance.

Literature cited by the submitters: PubMed 25486930.

NM_001063.4(TF):c.1108G>A (p.Glu370Lys)

Gene: TF (transferrin; plus strand). Cytogenetic location: 3q22.1.
Variant type: single nucleotide variant.
Coding change: c.1108G>A on transcript NM_001063.4 (MANE Select); coding-DNA position 1108, G replaced by A.
Protein change: p.Glu370Lys; replaces glutamic acid 370 with lysine.
Molecular consequence: missense variant.
Genome position (GRCh38, 1-based): chr3:133,759,234, G>A. VCF-style: chr3-133759234-G-A. GRCh37 (hg19) VCF-style: chr3-133478078-G-A.
Other names: c.976G>A, p.Glu326Lys (NM_001354703.2); c.727G>A, p.Glu243Lys (NM_001354704.2); short protein forms E243K, E326K, E370K.
Identifiers: ClinVar variation 3338974 (VCV003338974.1).